The following is an entry in ClinVar:

NM_000465.4(BARD1):c.1661C>T (p.Ala554Val)

Gene: BARD1 (BRCA1 associated RING domain 1; minus strand). Cytogenetic location: 2q35.
Variant type: single nucleotide variant.
Coding change: c.1661C>T on transcript NM_000465.4 (MANE Select); coding-DNA position 1661, C replaced by T.
Protein change: p.Ala554Val; replaces alanine 554 with valine.
Molecular consequence: missense variant. On other transcripts: non-coding transcript variant (3), intron variant (1).
Genome position (GRCh38, 1-based): chr2:214,752,463, G>A on the plus strand (C>T on the coding strand, the complement: BARD1 is on the minus strand). VCF-style: chr2-214752463-G-A. GRCh37 (hg19) VCF-style: chr2-215617187-G-A.
Other names: c.1604C>T, p.Ala535Val (NM_001282543.2); c.308C>T, p.Ala103Val (NM_001282545.2); c.251C>T, p.Ala84Val (NM_001282548.2); c.365-21955C>T (NM_001282549.2); short protein forms A535V, A103V, A554V, A84V.
Identifiers: ClinVar variation 1777491 (VCV001777491.10), dbSNP rs755822047, ClinGen allele CA2090204.

ClinVar aggregate classification (germline): Uncertain significance. Review status: criteria provided, multiple submitters, no conflicts (2 of 4 stars). 3 submissions from 3 submitters: Uncertain significance (3). Last evaluated 2025-12-08.

Conditions:
Hereditary cancer-predisposing syndrome. Also called: Neoplastic Syndromes, Hereditary; Tumor predisposition; Hereditary Cancer Syndrome; Hereditary neoplastic syndrome. Identifiers: Orphanet 140162, MedGen C0027672, MeSH D009386, MONDO:0015356.
Familial cancer of breast. Also called: BREAST CANCER, FAMILIAL; Hereditary breast cancer; hereditary breast carcinoma. Identifiers: Orphanet 227535, MedGen C0346153, MONDO:0016419, OMIM 114480. Disease mechanism: loss of function.

Allele frequency attached by ClinVar (database versions not stated): ExAC 0.00040.

Submissions (3):

Labcorp Genetics (formerly Invitae), Labcorp
Classification: Uncertain significance for Familial cancer of breast. Last evaluated: 2025-12-08. Review status: criteria provided, single submitter. Criteria: Invitae Variant Classification Sherloc (09022015). Collection method: clinical testing. Allele origin: germline.
Comment: This sequence change replaces alanine, which is neutral and non-polar, with valine, which is neutral and non-polar, at codon 554 of the BARD1 protein (p.Ala554Val). The frequency data for this variant in the population databases is considered unreliable, as metrics indicate poor data quality at this position in the gnomAD database. This variant has not been reported in the literature in individuals affected with BARD1-related conditions. ClinVar contains an entry for this variant (Variation ID: 1777491). An algorithm developed to predict the effect of missense changes on protein structure and function outputs the following: PolyPhen-2: "Benign". The valine amino acid residue is found in multiple mammalian species, which suggests that this missense change does not adversely affect protein function. In summary, the available evidence is currently insufficient to determine the role of this variant in disease. Therefore, it has been classified as a Variant of Uncertain Significance.

Ambry Genetics
Classification: Uncertain significance for Hereditary cancer-predisposing syndrome. Last evaluated: 2025-11-19. Review status: criteria provided, single submitter. Criteria: Ambry Variant Classification Scheme 2023. Collection method: clinical testing. Allele origin: germline.
Comment: The p.A554V variant (also known as c.1661C>T), located in coding exon 7 of the BARD1 gene, results from a C to T substitution at nucleotide position 1661. The alanine at codon 554 is replaced by valine, an amino acid with similar properties. This amino acid position is poorly conserved in available vertebrate species. In addition, this alteration is predicted to be tolerated by in silico analysis. Based on the available evidence, the clinical significance of this variant remains unclear.

Color Diagnostics, LLC DBA Color Health
Classification: Uncertain significance for Hereditary cancer-predisposing syndrome. Last evaluated: 2024-05-04. Review status: criteria provided, single submitter. Criteria: ACMG Guidelines, 2015. Collection method: clinical testing. Allele origin: germline.
Comment: This missense variant replaces alanine with valine at codon 554 of the BARD1 protein. Computational prediction suggests that this variant may not impact protein structure and function (internally defined REVEL score threshold <= 0.5, PMID: 27666373). To our knowledge, functional studies have not been reported for this variant. This variant has not been reported in individuals affected with BARD1-related disorders in the literature. This variant has not been identified in the general population by the Genome Aggregation Database (gnomAD). The available evidence is insufficient to determine the role of this variant in disease conclusively. Therefore, this variant is classified as a Variant of Uncertain Significance.